The following is an entry in ClinVar:

NM_005476.7(GNE):c.1281+6A>T

Gene: GNE (glucosamine (UDP-N-acetyl)-2-epimerase/N-acetylmannosamine kinase; minus strand). Cytogenetic location: 9p13.3.
Variant type: single nucleotide variant.
Coding change: c.1281+6A>T on transcript NM_005476.7 (MANE Select); 6 bases into the intron after coding-DNA position 1281, A replaced by T.
Molecular consequence: intron variant.
Genome position (GRCh38, 1-based): chr9:36,227,242, T>A on the plus strand (A>T on the coding strand, the complement: GNE is on the minus strand). VCF-style: chr9-36227242-T-A. GRCh37 (hg19) VCF-style: chr9-36227239-T-A.
Other names: c.1104+6A>T (NM_001190388.2, NM_001374798.1); c.1374+6A>T (NM_001128227.3); c.951+6A>T (NM_001190384.3); c.1128+6A>T (NM_001374797.1); c.1281+6A>T (NM_001190383.3).
Identifiers: ClinVar variation 282546 (VCV000282546.54), dbSNP rs201025841, ClinGen allele CA5056544.

ClinVar aggregate classification (germline): Conflicting classifications of pathogenicity. Review status: criteria provided, conflicting classifications (1 of 4 stars). 7 submissions from 7 submitters: Uncertain significance (3); Likely benign (4). Last evaluated 2025-05-06.

Conditions:
Sialuria. Also called: SIALURIA, FRENCH TYPE; Sialic Acid Storage Disease. Identifiers: Orphanet 3166, MedGen C0342853, MONDO:0010028, OMIM 269921.
GNE myopathy (NM). Also called: INCLUSION BODY MYOPATHY, HEREDITARY, AUTOSOMAL RECESSIVE; INCLUSION BODY MYOPATHY 2, AUTOSOMAL RECESSIVE; MYOPATHY, DISTAL, WITH OR WITHOUT RIMMED VACUOLES; IBM 2; Inclusion body myopathy autosomal recessive; Inclusion body myopathy quadriceps sparing. Identifiers: Orphanet 602, MedGen C1853926, MONDO:0011603, OMIM 605820.

Allele frequency attached by ClinVar (database versions not stated): gnomAD 0.00006 and 0.00008; TOPMed 0.00009; ExAC 0.00012; gnomAD exomes 0.00013; 1000 Genomes Project 30x 0.00016; 1000 Genomes Project 0.00020.
gnomAD v4.1: 148 of 1,594,576 alleles (0.0093%); highest among the groups gnomAD compares: Middle Eastern, 0.1%; no homozygotes.

Submissions (7):

Labcorp Genetics (formerly Invitae), Labcorp
Classification: Uncertain significance for Sialuria; GNE myopathy. Last evaluated: 2025-05-06. Review status: criteria provided, single submitter. Criteria: Invitae Variant Classification Sherloc (09022015). Collection method: clinical testing. Allele origin: germline.
Comment: This sequence change falls in intron 7 of the GNE gene. It does not directly change the encoded amino acid sequence of the GNE protein. It affects a nucleotide within the consensus splice site. This variant is present in population databases (rs201025841, gnomAD 0.03%). This variant has not been reported in the literature in individuals affected with GNE-related conditions. ClinVar contains an entry for this variant (Variation ID: 282546). Variants that disrupt the consensus splice site are a relatively common cause of aberrant splicing (PMID: 17576681, 9536098). Algorithms developed to predict the effect of sequence changes on RNA splicing suggest that this variant is not likely to affect RNA splicing. In summary, the available evidence is currently insufficient to determine the role of this variant in disease. Therefore, it has been classified as a Variant of Uncertain Significance.

Athena Diagnostics
Classification: Uncertain significance. Last evaluated: 2025-04-28. Review status: criteria provided, single submitter. Criteria: Athena Diagnostics Criteria. Collection method: clinical testing. Allele origin: unknown.
Comment: Available data are insufficient to determine the clinical significance of the variant at this time. The frequency of this variant in the general population is higher than would generally be expected for pathogenic variants in this gene. Computational tools yielded predictions that this variant is unlikely to have an effect on normal RNA splicing.

Blueprint Genetics
Classification: Likely benign. Last evaluated: 2024-09-17. Review status: criteria provided, single submitter. Criteria: ACMG Guidelines, 2015. Collection method: clinical testing. Allele origin: germline.

GeneDx
Classification: Likely benign. Last evaluated: 2021-03-16. Review status: criteria provided, single submitter. Criteria: GeneDx Variant Classification Process June 2021. Collection method: clinical testing. Allele origin: germline. Affected: yes.

CeGaT Center for Human Genetics Tuebingen
Classification: Likely benign. Last evaluated: 2020-05-01. Review status: criteria provided, single submitter. Criteria: CeGaT Center For Human Genetics Tuebingen Variant Classification Criteria Version 2. Collection method: clinical testing. Allele origin: germline. Affected: yes. Observed: 1 variant allele.

Illumina Laboratory Services, Illumina
Classification: Likely benign for Sialuria. Last evaluated: 2018-01-12. Review status: criteria provided, single submitter. Criteria: ICSL Variant Classification Criteria 13 December 2019. Collection method: clinical testing. Allele origin: germline.
Comment: This variant was observed in the ICSL laboratory as part of a predisposition screen in an ostensibly healthy population. It had not been previously curated by ICSL or reported in the Human Gene Mutation Database (HGMD: prior to June 1st, 2018), and was therefore a candidate for classification through an automated scoring system. Utilizing variant allele frequency, disease prevalence and penetrance estimates, and inheritance mode, an automated score was calculated to assess if this variant is too frequent to cause the disease. Based on the score and internal cut-off values, a variant classified as likely benign is not then subjected to further curation. The score for this variant resulted in a classification of likely benign for this disease.

Eurofins Ntd Llc (ga)
Classification: Uncertain significance. Last evaluated: 2016-12-29. Review status: criteria provided, single submitter. Criteria: EGL Classification Definitions 2015. Collection method: clinical testing. Allele origin: germline. Observed: 5 variant alleles, 5 heterozygotes.

Literature cited by the submitters: PubMed 17576681 (cited by Labcorp Genetics (formerly Invitae), Labcorp and Athena Diagnostics); PubMed 9536098 (cited by Labcorp Genetics (formerly Invitae), Labcorp and Athena Diagnostics).